The following is an entry in ClinVar:

ClinVar aggregate classification (germline): Uncertain significance. Review status: criteria provided, multiple submitters, no conflicts (2 of 4 stars). 2 submissions from 2 submitters: Uncertain significance (2). Last evaluated 2025-06-03.

Conditions:
UCP3-related disorder. Also called: UCP3-related condition.

Allele frequency attached by ClinVar (database versions not stated): gnomAD exomes below 0.00001.

Submissions (2):

Ambry Genetics
Classification: Uncertain significance. Last evaluated: 2025-06-03. Review status: criteria provided, single submitter. Criteria: Ambry Variant Classification Scheme 2023. Collection method: clinical testing. Allele origin: germline.

PreventionGenetics, part of Exact Sciences
Classification: Uncertain significance for UCP3-related condition. Last evaluated: 2024-11-14. Review status: criteria provided, single submitter. Criteria: ACMG Guidelines, 2015. Collection method: clinical testing. Allele origin: germline.
Comment: The UCP3 c.343A>C variant is predicted to result in the amino acid substitution p.Ser115Arg. To our knowledge, this variant has not been reported in the literature or in a large population database (gnomAD), indicating this variant is rare. At this time, the clinical significance of this variant is uncertain due to the absence of conclusive functional and genetic evidence.

NM_003356.4(UCP3):c.343A>C (p.Ser115Arg)

Gene: UCP3 (uncoupling protein 3; minus strand). Cytogenetic location: 11q13.4.
Variant type: single nucleotide variant.
Coding change: c.343A>C on transcript NM_003356.4 (MANE Select); coding-DNA position 343, A replaced by C.
Protein change: p.Ser115Arg; replaces serine 115 with arginine.
Molecular consequence: missense variant.
Genome position (GRCh38, 1-based): chr11:74,005,928, T>G on the plus strand (A>C on the coding strand, the complement: UCP3 is on the minus strand). VCF-style: chr11-74005928-T-G. GRCh37 (hg19) VCF-style: chr11-73716973-T-G.
Other names: c.343A>C, p.Ser115Arg (NM_022803.3); short protein forms S115R.
Identifiers: ClinVar variation 2629123 (VCV002629123.5), dbSNP rs2496124409, ClinGen allele CA381815233.